The following is an entry in ClinVar:

NM_000432.4(MYL2):c.321C>A (p.Asp107Glu)

Gene: MYL2 (myosin light chain 2; minus strand). Cytogenetic location: 12q24.11.
Variant type: single nucleotide variant.
Coding change: c.321C>A on transcript NM_000432.4 (MANE Select); coding-DNA position 321, C replaced by A.
Protein change: p.Asp107Glu; replaces aspartic acid 107 with glutamic acid.
Molecular consequence: missense variant.
Genome position (GRCh38, 1-based): chr12:110,913,278, G>T on the plus strand (C>A on the coding strand, the complement: MYL2 is on the minus strand). VCF-style: chr12-110913278-G-T. GRCh37 (hg19) VCF-style: chr12-111351082-G-T.
Other names: c.279C>A, p.Asp93Glu (NM_001406745.1); c.264C>A, p.Asp88Glu (NM_001406916.1); short protein forms D107E, D88E, D93E.
Identifiers: ClinVar variation 4082684 (VCV004082684.1).

ClinVar aggregate classification (germline): Uncertain significance (1 of 4 stars; one submission).

gnomAD v4.1: 1 of 1,614,200 alleles (0.000062%); highest among the groups gnomAD compares: Admixed American, 0.0017%; no homozygotes.

Submission:

GeneDx
Classification: Uncertain significance. Last evaluated: 2025-03-04. Review status: criteria provided, single submitter. Criteria: GeneDx Variant Classification Process June 2021. Collection method: clinical testing. Allele origin: germline. Affected: yes.
Comment: Not observed at significant frequency in large population cohorts (gnomAD); In silico analysis supports that this missense variant has a deleterious effect on protein structure/function; Has not been previously published as pathogenic or benign to our knowledge